The following is an entry in ClinVar:

ClinVar aggregate classification (germline): other (0 of 4 stars; one submission).

Conditions:
Familial colorectal cancer. Identifiers: MedGen CN280943, MONDO:0023113. Disease mechanism: loss of function.

Submission:

Systems Biology Platform Zhejiang California International NanoSystems Institute
Classification: other for Familial colorectal cancer. Review status: no assertion criteria provided. Collection method: not provided. Allele origin: unknown.
ClinVar note: Converted during submission from cancer to other.

NM_000038.6(APC):c.729+2781G>C

Gene: APC (APC regulator of WNT signaling pathway; plus strand). Cytogenetic location: 5q22.2.
Variant type: single nucleotide variant.
Coding change: c.729+2781G>C on transcript NM_000038.6 (MANE Select); 2781 bases into the intron after coding-DNA position 729, G replaced by C.
Molecular consequence: intron variant.
Genome position (GRCh38, 1-based): chr5:112,795,310, G>C. VCF-style: chr5-112795310-G-C. GRCh37 (hg19) VCF-style: chr5-112131007-G-C.
Other names: c.729+2781G>C (NM_001354895.2, NM_001127510.3, NM_001354896.2 and 1 more transcripts); c.759+2781G>C (NM_001354897.2, NM_001354902.2); c.676-5969G>C (NM_001127511.3); c.654+2781G>C (NM_001354898.2, NM_001354904.2); c.-307+2781G>C (NM_001354906.2); c.646-5969G>C (NM_001354899.2); c.552+2781G>C (NM_001354900.2, NM_001354901.2, NM_001354905.2).
Identifiers: ClinVar variation 82494 (VCV000082494.2), dbSNP rs79487788, ClinGen allele CA013179.